The following is an entry in ClinVar:

NM_000168.6(GLI3):c.4333G>A (p.Asp1445Asn)

Gene: GLI3 (GLI family zinc finger 3; minus strand). Cytogenetic location: 7p14.1.
Variant type: single nucleotide variant.
Coding change: c.4333G>A on transcript NM_000168.6 (MANE Select); coding-DNA position 4333, G replaced by A.
Protein change: p.Asp1445Asn; replaces aspartic acid 1445 with asparagine.
Molecular consequence: missense variant.
Genome position (GRCh38, 1-based): chr7:41,964,740, C>T on the plus strand (G>A on the coding strand, the complement: GLI3 is on the minus strand). VCF-style: chr7-41964740-C-T. GRCh37 (hg19) VCF-style: chr7-42004338-C-T.
Other names: short protein forms D1445N.
Identifiers: ClinVar variation 5003141 (VCV005003141.1).
Genomic context (GRCh38, chr7:41,964,740, plus strand): 5'-CGTCTGAAATAGAGAATGAACCAGCTTTCGTGTCTTGCTGACTGAAGCCCACGGTTTGGT[C>T]ATAGAACTGACCAGAGTAATTCTGCAGATTAGAGCACAGCGGATGGGGCTGCCCTTTCAT-3'
Protein context (NP_000159.3, residues 1435-1455): NLQNYSGQFY[Asp1445Asn]QTVGFSQQDT

ClinVar aggregate classification (germline): Uncertain significance (1 of 4 stars; one submission).

gnomAD v4.1: 3 of 1,614,160 alleles (0.00019%); highest among the groups gnomAD compares: Admixed American, 0.0017%; no homozygotes.

Submission:

OLLIN Analises Genomicas, OLLIN
Classification: Uncertain significance. Last evaluated: 2026-08-06. Review status: criteria provided, single submitter. Criteria: ACMG Guidelines 2015 PMID 25741868. Collection method: clinical testing. Allele origin: germline.
Comment: This missense variant, located in exon 15 (of 15), has been observed in gnomAD with an allele frequency of 0.00019%, but has not been reported in ClinVar or identified in the literature. In silico analysis predicts that this variant has a tolerated effect. According to the currently available evidence, this variant has been classified as uncertain significance (BP4_M).